The following is an entry in ClinVar:

NM_001378418.1(TCF20):c.3190_3192del (p.His1064del)

Gene: TCF20 (transcription factor 20; minus strand). Cytogenetic location: 22q13.2.
Variant type: Deletion.
Coding change: c.3190_3192del on transcript NM_001378418.1 (MANE Select); coding-DNA positions 3190 to 3192, 3 bases deleted (CAT; older notation c.3190_3192delCAT).
Protein change: p.His1064del; deletes histidine 1064.
Genome position (GRCh38, 1-based): chr22:42,212,114-42,212,116, ATG deleted on the plus strand (CAT on the coding strand, the reverse complement: TCF20 is on the minus strand); deleting any 3 consecutive bases within chr22:42,212,114-42,212,118 gives the same sequence; the c. name uses the placement nearest the transcript's 3' end. VCF-style (leftmost placement, unchanged base first): chr22-42212113-CATG-C. GRCh37 (hg19) VCF-style: chr22-42608119-CATG-C.
Other names: c.3190_3192del, p.His1064del (NM_005650.4, NM_181492.3); short protein forms H1064del.
Identifiers: ClinVar variation 3373271 (VCV003373271.1).

ClinVar aggregate classification (germline): Uncertain significance (1 of 4 stars; one submission).

Submission:

GeneDx
Classification: Uncertain significance. Last evaluated: 2024-04-30. Review status: criteria provided, single submitter. Criteria: GeneDx Variant Classification Process June 2021. Collection method: clinical testing. Allele origin: germline. Affected: yes.
Comment: In-frame deletion of 1 amino acid in a non-repeat region; In silico analysis supports a deleterious effect on protein structure/function; Has not been previously published as pathogenic or benign to our knowledge